The following is an entry in ClinVar:

NM_033068.3(ACP4):c.375C>T (p.Pro125=)

Gene: ACP4 (acid phosphatase 4; plus strand). Cytogenetic location: 19q13.33.
Variant type: single nucleotide variant.
Coding change: c.375C>T on transcript NM_033068.3 (MANE Select); coding-DNA position 375, C replaced by T.
Protein change: p.Pro125=; no amino-acid change (proline 125 retained).
Molecular consequence: synonymous variant.
Genome position (GRCh38, 1-based): chr19:50,791,727, C>T. VCF-style: chr19-50791727-C-T. GRCh37 (hg19) VCF-style: chr19-51294984-C-T.
Identifiers: ClinVar variation 777505 (VCV000777505.6), dbSNP rs74407135, ClinGen allele CA9602935.

ClinVar aggregate classification (germline): Benign. Review status: criteria provided, multiple submitters, no conflicts (2 of 4 stars). 3 submissions from 3 submitters: Benign (3). Last evaluated 2026-09-20.

Conditions:
ACP4-related disorder. Also called: ACP4-related condition.

Allele frequency attached by ClinVar (database versions not stated): gnomAD exomes 0.00131 and 0.00341; ExAC 0.00438; gnomAD 0.01343 and 0.01445; 1000 Genomes Project 0.01378; 1000 Genomes Project 30x 0.01421; TOPMed 0.01552; ESP Exome Variant Server 0.01645.
gnomAD v4.1: 4,021 of 1,613,146 alleles (0.25%); highest among the groups gnomAD compares: African/African-American, 4.8%; 110 homozygotes.

Submissions (3):

PreventionGenetics, part of Exact Sciences
Classification: Benign for ACP4-related condition. Last evaluated: 2026-09-20. Review status: criteria provided, single submitter. Criteria: ACMG Guidelines, 2015. Collection method: clinical testing. Allele origin: germline.
Comment: This variant is classified as benign based on ACMG/AMP sequence variant interpretation guidelines (Richards et al. 2015 PMID: 25741868, with internal and published modifications).

Labcorp Genetics (formerly Invitae), Labcorp
Classification: Benign. Last evaluated: 2019-12-31. Review status: criteria provided, single submitter. Criteria: Invitae Variant Classification Sherloc (09022015). Collection method: clinical testing. Allele origin: germline.

Breakthrough Genomics
Classification: Benign. Review status: criteria provided, single submitter. Criteria: ACMG Guidelines, 2015. Collection method: not provided. Allele origin: germline. Inheritance: Autosomal recessive inheritance. Affected: yes.